The following is an entry in ClinVar:

NM_018263.6(ASXL2):c.3701A>C (p.Glu1234Ala)

Gene: ASXL2 (ASXL transcriptional regulator 2; minus strand). Cytogenetic location: 2p23.3.
Variant type: single nucleotide variant.
Coding change: c.3701A>C on transcript NM_018263.6 (MANE Select); coding-DNA position 3701, A replaced by C.
Protein change: p.Glu1234Ala; replaces glutamic acid 1234 with alanine.
Molecular consequence: missense variant.
Genome position (GRCh38, 1-based): chr2:25,742,636, T>G on the plus strand (A>C on the coding strand, the complement: ASXL2 is on the minus strand). VCF-style: chr2-25742636-T-G. GRCh37 (hg19) VCF-style: chr2-25965505-T-G.
Other names: c.3527A>C, p.Glu1176Ala (NM_001369346.1); c.2921A>C, p.Glu974Ala (NM_001369347.1); short protein forms E1234A, E974A, E1176A.
Identifiers: ClinVar variation 453014 (VCV000453014.3), dbSNP rs1553691205, ClinGen allele CA346076683.

ClinVar aggregate classification (germline): Uncertain significance (1 of 4 stars; one submission).

Submission:

GeneDx
Classification: Uncertain significance. Last evaluated: 2020-02-06. Review status: criteria provided, single submitter. Criteria: GeneDx Variant Classification Process June 2021. Collection method: clinical testing. Allele origin: germline. Affected: yes.
Comment: Not observed in large population cohorts (Lek et al., 2016); In silico analysis supports that this missense variant does not alter protein structure/function; Has not been previously published as pathogenic or benign to our knowledge